The following is an entry in ClinVar:

NM_004055.5(CAPN5):c.327G>A (p.Trp109Ter)

Gene: CAPN5 (calpain 5; plus strand). Cytogenetic location: 11q13.5.
Variant type: single nucleotide variant.
Coding change: c.327G>A on transcript NM_004055.5 (MANE Select); coding-DNA position 327, G replaced by A.
Protein change: p.Trp109Ter; replaces tryptophan 109 with a stop codon.
Molecular consequence: nonsense. On other transcripts: non-coding transcript variant (1).
Genome position (GRCh38, 1-based): chr11:77,112,618, G>A. VCF-style: chr11-77112618-G-A. GRCh37 (hg19) VCF-style: chr11-76823664-G-A.
Other names: c.447G>A, p.Trp149Ter (NM_001425321.1); c.327G>A, p.Trp109Ter (NM_001425322.1); c.195G>A, p.Trp65Ter (NM_001425323.1); short protein forms W109*, W65*, W149*.
Identifiers: ClinVar variation 3393835 (VCV003393835.1).

ClinVar aggregate classification (germline): Uncertain significance (1 of 4 stars; one submission).

gnomAD v4.1: 10 of 1,614,112 alleles (0.00062%); highest among the groups gnomAD compares: Non-Finnish European, 0.00085%; no homozygotes.

Submission:

GeneDx
Classification: Uncertain significance. Last evaluated: 2024-07-02. Review status: criteria provided, single submitter. Criteria: GeneDx Variant Classification Process June 2021. Collection method: clinical testing. Allele origin: germline. Affected: yes.
Comment: Not observed at significant frequency in large population cohorts (gnomAD); Has not been previously published as pathogenic or benign to our knowledge; Nonsense variant predicted to result in protein truncation or nonsense mediated decay in a gene for which loss-of-function is not an established mechanism of disease